The following is an entry in ClinVar:

ClinVar aggregate classification (germline): Uncertain significance (1 of 4 stars; one submission).

gnomAD v4.1: 1 of 1,614,230 alleles (0.000062%); no homozygotes.

Submission:

Labcorp Genetics (formerly Invitae), Labcorp
Classification: Uncertain significance. Last evaluated: 2024-11-11. Review status: criteria provided, single submitter. Criteria: Invitae Variant Classification Sherloc (09022015). Collection method: clinical testing. Allele origin: germline.
Comment: This sequence change replaces serine, which is neutral and polar, with threonine, which is neutral and polar, at codon 334 of the CETP protein (p.Ser334Thr). This variant is not present in population databases (gnomAD no frequency). This variant has not been reported in the literature in individuals affected with CETP-related conditions. Invitae Evidence Modeling of protein sequence and biophysical properties (such as structural, functional, and spatial information, amino acid conservation, physicochemical variation, residue mobility, and thermodynamic stability) indicates that this missense variant is not expected to disrupt CETP protein function with a negative predictive value of 80%. In summary, the available evidence is currently insufficient to determine the role of this variant in disease. Therefore, it has been classified as a Variant of Uncertain Significance.

NM_000078.3(CETP):c.1001G>C (p.Ser334Thr)

Gene: CETP (cholesteryl ester transfer protein; plus strand). Cytogenetic location: 16q13.
Variant type: single nucleotide variant.
Coding change: c.1001G>C on transcript NM_000078.3 (MANE Select); coding-DNA position 1001, G replaced by C.
Protein change: p.Ser334Thr; replaces serine 334 with threonine.
Molecular consequence: missense variant.
Genome position (GRCh38, 1-based): chr16:56,978,110, G>C. VCF-style: chr16-56978110-G-C. GRCh37 (hg19) VCF-style: chr16-57012022-G-C.
Other names: c.821G>C, p.Ser274Thr (NM_001286085.2); short protein forms S274T, S334T.
Identifiers: ClinVar variation 3613246 (VCV003613246.2).